The following is an entry in ClinVar:

ClinVar aggregate classification (germline): Likely benign (1 of 4 stars; one submission).

Conditions:
Holoprosencephaly 9 (HPE9). Also called: HOLOPROSENCEPHALY WITH MICROPHTHALMIA AND FIRST BRANCHIAL ARCH ANOMALIES; PITUITARY ANOMALIES WITH HOLOPROSENCEPHALY-LIKE FEATURES. Identifiers: Orphanet 2162, MedGen C1835819, MONDO:0012563, OMIM 610829.

Allele frequency attached by ClinVar (database versions not stated): gnomAD 0.00039 and 0.00046; TOPMed 0.00072; 1000 Genomes Project 0.00120; 1000 Genomes Project 30x 0.00187.

Submission:

Illumina Laboratory Services, Illumina
Classification: Likely benign for Holoprosencephaly 9. Last evaluated: 2018-01-13. Review status: criteria provided, single submitter. Criteria: ICSL Variant Classification Criteria 13 December 2019. Collection method: clinical testing. Allele origin: germline.
Comment: This variant was observed in the ICSL laboratory as part of a predisposition screen in an ostensibly healthy population. It had not been previously curated by ICSL or reported in the Human Gene Mutation Database (HGMD: prior to June 1st, 2018), and was therefore a candidate for classification through an automated scoring system. Utilizing variant allele frequency, disease prevalence and penetrance estimates, and inheritance mode, an automated score was calculated to assess if this variant is too frequent to cause the disease. Based on the score and internal cut-off values, a variant classified as likely benign is not then subjected to further curation. The score for this variant resulted in a classification of likely benign for this disease.

NM_001374353.1(GLI2):c.*963A>T

Gene: GLI2 (GLI family zinc finger 2; plus strand). Cytogenetic location: 2q14.2.
Variant type: single nucleotide variant.
Coding change: c.*963A>T on transcript NM_001374353.1 (MANE Select); 963 bases downstream of the stop codon, A replaced by T.
Molecular consequence: 3 prime UTR variant.
Genome position (GRCh38, 1-based): chr2:120,991,638, A>T. VCF-style: chr2-120991638-A-T. GRCh37 (hg19) VCF-style: chr2-121749214-A-T.
Other names: c.*963A>T (NM_001371271.1, NM_001374354.1, NM_005270.5).
Identifiers: ClinVar variation 331007 (VCV000331007.5), dbSNP rs191669588, ClinGen allele CA10611987.